The following is an entry in ClinVar:

NM_000271.5(NPC1):c.3662del (p.Phe1221fs)

Gene: NPC1 (NPC intracellular cholesterol transporter 1; minus strand). Cytogenetic location: 18q11.2.
Variant type: Deletion.
Coding change: c.3662del on transcript NM_000271.5 (MANE Select); coding-DNA position 3662, one base deleted (T; older notation c.3662delT).
Protein change: p.Phe1221fs; shifts the reading frame from phenylalanine 1221.
Molecular consequence: frameshift variant.
Genome position (GRCh38, 1-based): chr18:23,533,447, A deleted on the plus strand (T on the coding strand, the reverse complement: NPC1 is on the minus strand); the first of 4 consecutive A bases (chr18:23,533,447-23,533,450); deleting any one gives the same sequence. VCF-style (leftmost placement, unchanged base first): chr18-23533446-GA-G. GRCh37 (hg19) VCF-style: chr18-21113410-GA-G.
Other names: c.3662delT (NM_000271.4); short protein forms F1221fs.
Identifiers: ClinVar variation 2977 (VCV000002977.15), dbSNP rs786200878, ClinGen allele CA252502.

ClinVar aggregate classification (germline): Pathogenic. Review status: criteria provided, multiple submitters, no conflicts (2 of 4 stars). 8 submissions from 8 submitters: Pathogenic (7). 1 of the submissions does not count toward it. Last evaluated 2025-10-02.

Conditions:
NPC1-related disorder. Also called: NPC1-related condition.
Niemann-Pick disease, type C (NPC). Identifiers: Orphanet 646, MedGen C0220756, MONDO:0018982.
Niemann-Pick disease, type C1. Also called: NIEMANN-PICK DISEASE, VARIANT TYPE C1; NEUROVISCERAL STORAGE DISEASE WITH VERTICAL SUPRANUCLEAR OPHTHALMOPLEGIA; NIEMANN-PICK DISEASE WITH CHOLESTEROL ESTERIFICATION BLOCK; NIEMANN-PICK DISEASE WITHOUT SPHINGOMYELINASE DEFICIENCY; NIEMANN-PICK DISEASE, CHRONIC NEURONOPATHIC FORM. Identifiers: Orphanet 646, MedGen C3179455, MONDO:0009757, OMIM 257220.

Submissions (8):

Myriad Genetics, Inc.
Classification: Pathogenic for Niemann-Pick disease, type C1. Last evaluated: 2025-10-02. Review status: criteria provided, single submitter. Criteria: Myriad Autosomal Dominant, Autosomal Recessive and X-Linked Classification Criteria (2023). Collection method: clinical testing. Allele origin: unknown.
Comment: NM_000271.4(NPC1):c.3662delT(F1221Sfs*21) is a frameshift variant classified as pathogenic in the context of Niemann-Pick disease type C1. F1221Sfs*21 has been observed in cases with relevant disease (PMID: 33258288, 11479732, 35892469, 30820861). Relevant functional assessments of this variant are not available in the literature. Internal structural analysis of the variant is supportive of pathogenicity. F1221Sfs*21 has not been observed in referenced population frequency databases. In summary, NM_000271.4(NPC1):c.3662delT(F1221Sfs*21) is a frameshift variant that has internal structural support for pathogenicity and has been observed more frequently in cases with the relevant disease than in healthy populations. Please note: this variant was assessed in the context of healthy population screening.

PreventionGenetics, part of Exact Sciences
Classification: Pathogenic for NPC1-related condition. Last evaluated: 2025-08-07. Review status: criteria provided, single submitter. Criteria: ACMG Guidelines, 2015. Collection method: clinical testing. Allele origin: germline.
Comment: The NPC1 c.3662delT variant is predicted to result in a frameshift and premature protein termination (p.Phe1221Serfs*21). This variant has been reported in individuals with Niemann-Pick disease, type C (see for example: Ribeiro et al. 2001. PubMed ID: 11479732; Polese-Bonatto et al. 2019. PubMed ID: 30820861; Supplementary information, Quaio et al. 2020. PubMed ID: 33258288). This variant has not been reported in a large population database (gnomAD), indicating this variant is rare. Frameshift variants in NPC1 are expected to be pathogenic. This variant is interpreted as pathogenic.

Labcorp Genetics (formerly Invitae), Labcorp
Classification: Pathogenic for Niemann-Pick disease, type C1. Last evaluated: 2024-01-02. Review status: criteria provided, single submitter. Criteria: Invitae Variant Classification Sherloc (09022015). Collection method: clinical testing. Allele origin: germline.
Comment: This sequence change creates a premature translational stop signal (p.Phe1221Serfs*21) in the NPC1 gene. While this is not anticipated to result in nonsense mediated decay, it is expected to disrupt the last 58 amino acid(s) of the NPC1 protein. This variant is not present in population databases (gnomAD no frequency). This premature translational stop signal has been observed in individual(s) with Niemann-Pick type C (PMID: 11479732, 30820861). In at least one individual the data is consistent with being in trans (on the opposite chromosome) from a pathogenic variant. ClinVar contains an entry for this variant (Variation ID: 2977). For these reasons, this variant has been classified as Pathogenic.

Laboratorio de Genetica e Diagnostico Molecular, Hospital Israelita Albert Einstein
Classification: Pathogenic for Niemann-Pick disease, type C1. Last evaluated: 2023-02-03. Review status: criteria provided, single submitter. Criteria: ACMG Guidelines, 2015. Collection method: clinical testing. Allele origin: germline. Affected: yes.
Comment: ACMG classification criteria: PVS1 strong, PM2 moderated, PM3 strong

Women's Health and Genetics/Laboratory Corporation of America, LabCorp
Classification: Pathogenic for Niemann-Pick disease, type C. Last evaluated: 2022-11-07. Review status: criteria provided, single submitter. Criteria: LabCorp Variant Classification Summary - May 2015. Collection method: clinical testing. Allele origin: germline.
Comment: Variant summary: NPC1 c.3662delT (p.Phe1221SerfsX21) results in a premature termination codon, predicted to cause a truncation of the encoded protein or absence of the protein due to nonsense mediated decay, which are commonly known mechanisms for disease. Truncations downstream of this position have been classified as pathogenic by our laboratory. The variant was absent in 251462 control chromosomes (gnomAD). c.3662delT has been reported in the literature in individuals affected with Niemann-Pick Disease Type C (examples: Polese-Bonatto_2019 and Ribeiro_2001). These data indicate that the variant is likely to be associated with disease. Two clinical diagnostic laboratories have submitted clinical-significance assessments for this variant to ClinVar after 2014 and all classified the variant as pathogenic/likely pathogenic. Based on the evidence outlined above, the variant was classified as pathogenic.

Department of Pathology and Laboratory Medicine, Sinai Health System
Classification: Pathogenic for Niemann-Pick disease, type C1. Last evaluated: 2022-03-22. Review status: criteria provided, single submitter. Criteria: ACMG Guidelines, 2015. Collection method: research. Allele origin: germline.

Mendelics
Classification: Pathogenic for Niemann-Pick disease, type C1. Last evaluated: 2019-05-28. Review status: criteria provided, single submitter. Criteria: Mendelics Assertion Criteria 2017. Collection method: clinical testing. Allele origin: unknown.

OMIM
Classification: Pathogenic for NIEMANN-PICK DISEASE, TYPE C1. Last evaluated: 2001-07-01. Review status: no assertion criteria provided. Collection method: literature only. Allele origin: germline. Not counted in ClinVar's aggregate classification.

Literature cited by the submitters: PubMed 11479732 (cited by 4 submitters); PubMed 30820861 (cited by 3 submitters); PubMed 33258288 (cited by Myriad Genetics, Inc.); PubMed 35892469 (cited by Myriad Genetics, Inc.).